The following is an entry in ClinVar:

NM_001370298.3(FGD4):c.1603-9A>G

Gene: FGD4 (FYVE, RhoGEF and PH domain containing 4; plus strand). Cytogenetic location: 12p11.21.
Variant type: single nucleotide variant.
Coding change: c.1603-9A>G on transcript NM_001370298.3 (MANE Select); 9 bases into the intron before coding-DNA position 1603, A replaced by G.
Molecular consequence: intron variant.
Genome position (GRCh38, 1-based): chr12:32,611,128, A>G. VCF-style: chr12-32611128-A-G. GRCh37 (hg19) VCF-style: chr12-32764062-A-G.
Other names: c.1603-9A>G (NM_001384126.1); c.1447-9A>G (NM_001304481.2); c.913-9A>G (NM_001330374.2, NM_001330373.2, NM_001384130.1); c.1192-9A>G (NM_139241.3, NM_001384127.1, NM_001385118.1 and 1 more transcripts); c.160-9A>G (NM_001304484.2); c.640-9A>G (NM_001370297.1); c.448-9A>G (NM_001304483.2).
Identifiers: ClinVar variation 543315 (VCV000543315.9), dbSNP rs1555217855, ClinGen allele CA658797860.
Genomic context (GRCh38, chr12:32,611,128, plus strand): 5'-GTCATAGTATTATTAAAGCTACTAGGTTGAAACCTGCCTGTATGTGATCTTGCTGTTTTA[A>G]TTTCCTAGGAGAACCTAAAGAAACTCTTAGAGATTTATGAAATGTTGGGAGAAGAAGAAG-3'

ClinVar aggregate classification (germline): Uncertain significance (1 of 4 stars; one submission).

Conditions:
Charcot-Marie-Tooth disease type 4. Also called: Charcot-Marie-Tooth disease, type IV; Charcot-Marie-Tooth, Type 4. Identifiers: Orphanet 64749, MedGen C4082197, MONDO:0018995.

Allele frequency attached by ClinVar (database versions not stated): TOPMed below 0.00001; gnomAD 0.00001.
gnomAD v4.1: 1 of 1,613,922 alleles (0.000062%); highest among the groups gnomAD compares: Admixed American, 0.0017%; no homozygotes.

Submission:

Labcorp Genetics (formerly Invitae), Labcorp
Classification: Uncertain significance for Charcot-Marie-Tooth disease type 4. Last evaluated: 2017-08-24. Review status: criteria provided, single submitter. Criteria: Invitae Variant Classification Sherloc (09022015). Collection method: clinical testing. Allele origin: germline.
Comment: In summary, the available evidence is currently insufficient to determine the role of this variant in disease. Therefore, it has been classified as a Variant of Uncertain Significance. Algorithms developed to predict the effect of sequence changes on RNA splicing suggest that this variant may disrupt the consensus splice site, but this prediction has not been confirmed by published transcriptional studies. This variant has not been reported in the literature in individuals with FGD4-related disease. This variant is not present in population databases (ExAC no frequency). This sequence change falls in intron 9 of the FGD4 gene. It does not directly change the encoded amino acid sequence of the FGD4 protein.